The following is an entry in ClinVar:

ClinVar aggregate classification (germline): Uncertain significance (1 of 4 stars; one submission).

Conditions:
Neuronal ceroid lipofuscinosis 11. Also called: GRN-Related Neuronal Ceroid-Lipofuscinosis. Identifiers: Orphanet 314629, Orphanet 79262, MedGen C3539123, MONDO:0013866, OMIM 614706.
GRN-related frontotemporal lobar degeneration with Tdp43 inclusions (FTD2). Also called: DEMENTIA, HEREDITARY DYSPHASIC DISINHIBITION; FRONTOTEMPORAL LOBAR DEGENERATION WITH UBIQUITIN-POSITIVE INCLUSIONS; FTLD-TDP, GRN-RELATED; GRN Frontotemporal Dementia; FRONTOTEMPORAL DEMENTIA WITH TDP43 INCLUSIONS, GRN-RELATED. Identifiers: Orphanet 100070, Orphanet 282, MedGen C1843792, MONDO:0011842, OMIM 607485. Disease mechanism: loss of function.

Allele frequency attached by ClinVar (database versions not stated): TOPMed 0.00001.
gnomAD v4.1: 2 of 1,613,534 alleles (0.00012%); highest among the groups gnomAD compares: East Asian, 0.0022%; no homozygotes.

Submission:

Labcorp Genetics (formerly Invitae), Labcorp
Classification: Uncertain significance for Neuronal ceroid lipofuscinosis 11; GRN-related frontotemporal lobar degeneration with Tdp43 inclusions. Last evaluated: 2022-08-24. Review status: criteria provided, single submitter. Criteria: Invitae Variant Classification Sherloc (09022015). Collection method: clinical testing. Allele origin: germline.
Comment: This sequence change replaces serine, which is neutral and polar, with arginine, which is basic and polar, at codon 449 of the GRN protein (p.Ser449Arg). This variant is not present in population databases (gnomAD no frequency). This variant has not been reported in the literature in individuals affected with GRN-related conditions. Algorithms developed to predict the effect of missense changes on protein structure and function output the following: SIFT: "Tolerated"; PolyPhen-2: "Benign"; Align-GVGD: "Class C0". The arginine amino acid residue is found in multiple mammalian species, which suggests that this missense change does not adversely affect protein function. Algorithms developed to predict the effect of sequence changes on RNA splicing suggest that this variant may create or strengthen a splice site. In summary, the available evidence is currently insufficient to determine the role of this variant in disease. Therefore, it has been classified as a Variant of Uncertain Significance.

NM_002087.4(GRN):c.1347C>G (p.Ser449Arg)

Gene: GRN (granulin precursor; plus strand). Cytogenetic location: 17q21.31.
Variant type: single nucleotide variant.
Coding change: c.1347C>G on transcript NM_002087.4 (MANE Select); coding-DNA position 1347, C replaced by G.
Protein change: p.Ser449Arg; replaces serine 449 with arginine.
Molecular consequence: missense variant.
Genome position (GRCh38, 1-based): chr17:44,352,182, C>G. VCF-style: chr17-44352182-C-G. GRCh37 (hg19) VCF-style: chr17-42429550-C-G.
Other names: short protein forms S449R.
Identifiers: ClinVar variation 2162242 (VCV002162242.1), dbSNP rs1033064351, ClinGen allele CA399769119.
Genomic context (GRCh38, chr17:44,352,182, plus strand): 5'-GCCTGCCCGCCGGGCTTCCTTATCCCACCCCAGAGACATCGGCTGTGACCAGCACACCAG[C>G]TGCCCGGTGGGGCAGACCTGCTGCCCGAGCCTGGGTGGGAGCTGGGCCTGCTGCCAGTTG-3'
Protein context (NP_002078.1, residues 439-459): PRDIGCDQHT[Ser449Arg]CPVGQTCCPS